The following is an entry in ClinVar:

NM_031475.3(ESPN):c.-10A>C

Genes: ESPN (espin; plus strand), LOC129929239 (ATAC-STARR-seq lymphoblastoid silent region 154; plus strand). Cytogenetic location: 1p36.31.
Variant type: single nucleotide variant.
Coding change: c.-10A>C on transcript NM_031475.3 (MANE Select); 10 bases upstream of the start codon, A replaced by C.
Molecular consequence: 5 prime UTR variant.
Genome position (GRCh38, 1-based): chr1:6,424,946, A>C. VCF-style: chr1-6424946-A-C. GRCh37 (hg19) VCF-style: chr1-6485006-A-C.
Other names: c.-10A>C (NM_001367473.1, NM_001367474.1).
Identifiers: ClinVar variation 4979862 (VCV004979862.1).

ClinVar aggregate classification (germline): Likely benign (1 of 4 stars; one submission).

Conditions:
ESPN-related disorder. Also called: ESPN-related condition.

Submission:

PreventionGenetics, part of Exact Sciences
Classification: Likely benign for ESPN-related condition. Last evaluated: 2025-06-12. Review status: criteria provided, single submitter. Criteria: ACMG Guidelines, 2015. Collection method: clinical testing. Allele origin: germline.
Comment: This variant is classified as likely benign based on ACMG/AMP sequence variant interpretation guidelines (Richards et al. 2015 PMID: 25741868, with internal and published modifications).